The following is an entry in ClinVar:

ClinVar aggregate classification (germline): Uncertain significance. Review status: criteria provided, multiple submitters, no conflicts (2 of 4 stars). 2 submissions from 2 submitters: Uncertain significance (2). Last evaluated 2024-12-15.

Allele frequency attached by ClinVar (database versions not stated): gnomAD exomes 0.00001; TOPMed 0.00001.
gnomAD v4.1: 9 of 1,605,258 alleles (0.00056%); highest among the groups gnomAD compares: African/African-American, 0.0013%; no homozygotes.

Submissions (2):

Ambry Genetics
Classification: Uncertain significance. Last evaluated: 2024-12-15. Review status: criteria provided, single submitter. Criteria: Ambry Variant Classification Scheme 2023. Collection method: clinical testing. Allele origin: germline.
Comment: The p.I316S variant (also known as c.947T>G), located in coding exon 7 of the GEN1 gene, results from a T to G substitution at nucleotide position 947. The isoleucine at codon 316 is replaced by serine, an amino acid with dissimilar properties. This amino acid position is conserved. In addition, this alteration is predicted to be tolerated by in silico analysis. Based on the available evidence, the clinical significance of this variant remains unclear.

Labcorp Genetics (formerly Invitae), Labcorp
Classification: Uncertain significance. Last evaluated: 2019-10-29. Review status: criteria provided, single submitter. Criteria: Invitae Variant Classification Sherloc (09022015). Collection method: clinical testing. Allele origin: germline.
Comment: In summary, the available evidence is currently insufficient to determine the role of this variant in disease. Therefore, it has been classified as a Variant of Uncertain Significance. This sequence change replaces isoleucine with serine at codon 316 of the GEN1 protein (p.Ile316Ser). The isoleucine residue is highly conserved and there is a large physicochemical difference between isoleucine and serine. This variant is not present in population databases (ExAC no frequency). This variant has not been reported in the literature in individuals with GEN1-related conditions. Algorithms developed to predict the effect of missense changes on protein structure and function are either unavailable or do not agree on the potential impact of this missense change (SIFT: "Deleterious"; PolyPhen-2: "Probably Damaging"; Align-GVGD: "Class C0"). Algorithms developed to predict the effect of sequence changes on RNA splicing suggest that this variant may create or strengthen a splice site, but this prediction has not been confirmed by published transcriptional studies.

NM_001130009.3(GEN1):c.947T>G (p.Ile316Ser)

Gene: GEN1 (GEN1 structure-specific endonuclease; plus strand). Cytogenetic location: 2p24.2.
Variant type: single nucleotide variant.
Coding change: c.947T>G on transcript NM_001130009.3 (MANE Select); coding-DNA position 947, T replaced by G.
Protein change: p.Ile316Ser; replaces isoleucine 316 with serine.
Molecular consequence: missense variant.
Genome position (GRCh38, 1-based): chr2:17,772,778, T>G. VCF-style: chr2-17772778-T-G. GRCh37 (hg19) VCF-style: chr2-17954045-T-G.
Other names: c.947T>G (NM_001130009.1); c.947T>G, p.Ile316Ser (NM_182625.5); short protein forms I316S.
Identifiers: ClinVar variation 963002 (VCV000963002.10), dbSNP rs1257622945, ClinGen allele CA345917636.